The following is an entry in ClinVar:

NM_001005361.3(DNM2):c.1558-5C>A

Gene: DNM2 (dynamin 2; plus strand). Cytogenetic location: 19p13.2.
Variant type: single nucleotide variant.
Coding change: c.1558-5C>A on transcript NM_001005361.3 (MANE Select); 5 bases into the intron before coding-DNA position 1558, C replaced by A.
Molecular consequence: intron variant.
Genome position (GRCh38, 1-based): chr19:10,812,259, C>A. VCF-style: chr19-10812259-C-A. GRCh37 (hg19) VCF-style: chr19-10922935-C-A.
Other names: c.1558-5C>A (NM_001005360.3, NM_001190716.2); c.1546-5C>A (NM_004945.4, NM_001005362.3).
Identifiers: ClinVar variation 1093753 (VCV001093753.11), dbSNP rs777800520, ClinGen allele CA9201310.

ClinVar aggregate classification (germline): Conflicting classifications of pathogenicity. Review status: criteria provided, conflicting classifications (1 of 4 stars). 2 submissions from 2 submitters: Uncertain significance (1); Likely benign (1). Last evaluated 2024-09-06.

Conditions:
Charcot-Marie-Tooth disease dominant intermediate B (CMTDIB). Also called: Charcot-Marie-Tooth disease dominant intermediate 1; CMT DI1; Charcot-Marie-Tooth disease dominant intermediate I; CHARCOT-MARIE-TOOTH NEUROPATHY, DOMINANT INTERMEDIATE B. Identifiers: Orphanet 100044, Orphanet 228179, MedGen C1847902, MONDO:0011674, OMIM 606482.
Inborn genetic diseases. Identifiers: MedGen C0950123, MeSH D030342.

Allele frequency attached by ClinVar (database versions not stated): gnomAD exomes below 0.00001; TOPMed below 0.00001; gnomAD 0.00001; ExAC 0.00003.
gnomAD v4.1: 6 of 1,591,510 alleles (0.00038%); highest among the groups gnomAD compares: African/African-American, 0.0013%; no homozygotes.

Submissions (2):

Labcorp Genetics (formerly Invitae), Labcorp
Classification: Likely benign for Charcot-Marie-Tooth disease dominant intermediate B. Last evaluated: 2024-09-06. Review status: criteria provided, single submitter. Criteria: Invitae Variant Classification Sherloc (09022015). Collection method: clinical testing. Allele origin: germline.

Ambry Genetics
Classification: Uncertain significance for Inborn genetic diseases. Last evaluated: 2019-12-23. Review status: criteria provided, single submitter. Criteria: Ambry Variant Classification Scheme 2023. Collection method: clinical testing. Allele origin: germline.
Comment: The c.1558-5C>A intronic variant results from a C to A substitution 5 nucleotides upstream from coding exon 15 in the DNM2 gene. This nucleotide position is not well conserved in available vertebrate species. Using the BDGP and ESEfinder splice site prediction tools, this alteration is predicted to weaken the efficiency of the native splice acceptor site; however, direct evidence is unavailable. Since supporting evidence is limited at this time, the clinical significance of this alteration remains unclear.